The following is an entry in ClinVar:

NM_199355.4(ADAMTS18):c.2512A>G (p.Asn838Asp)

Gene: ADAMTS18 (ADAM metallopeptidase with thrombospondin type 1 motif 18; minus strand). Cytogenetic location: 16q23.1.
Variant type: single nucleotide variant.
Coding change: c.2512A>G on transcript NM_199355.4 (MANE Select); coding-DNA position 2512, A replaced by G.
Protein change: p.Asn838Asp; replaces asparagine 838 with aspartic acid.
Molecular consequence: missense variant.
Genome position (GRCh38, 1-based): chr16:77,319,869, T>C on the plus strand (A>G on the coding strand, the complement: ADAMTS18 is on the minus strand). VCF-style: chr16-77319869-T-C. GRCh37 (hg19) VCF-style: chr16-77353766-T-C.
Other names: c.1996A>G, p.Asn666Asp (NM_001326358.2); short protein forms N838D, N666D.
Identifiers: ClinVar variation 1398110 (VCV001398110.5), dbSNP rs2055957790, ClinGen allele CA396827183.

ClinVar aggregate classification (germline): Uncertain significance (1 of 4 stars; one submission).

Allele frequency attached by ClinVar (database versions not stated): TOPMed below 0.00001; gnomAD exomes 0.00001.
gnomAD v4.1: 10 of 1,614,130 alleles (0.00062%); highest among the groups gnomAD compares: Admixed American, 0.0017%; no homozygotes.

Submission:

Labcorp Genetics (formerly Invitae), Labcorp
Classification: Uncertain significance. Last evaluated: 2022-08-15. Review status: criteria provided, single submitter. Criteria: Invitae Variant Classification Sherloc (09022015). Collection method: clinical testing. Allele origin: germline.
Comment: This sequence change replaces asparagine, which is neutral and polar, with aspartic acid, which is acidic and polar, at codon 838 of the ADAMTS18 protein (p.Asn838Asp). This variant is not present in population databases (gnomAD no frequency). This variant has not been reported in the literature in individuals affected with ADAMTS18-related conditions. ClinVar contains an entry for this variant (Variation ID: 1398110). Algorithms developed to predict the effect of missense changes on protein structure and function are either unavailable or do not agree on the potential impact of this missense change (SIFT: "Not Available"; PolyPhen-2: "Probably Damaging"; Align-GVGD: "Not Available"). In summary, the available evidence is currently insufficient to determine the role of this variant in disease. Therefore, it has been classified as a Variant of Uncertain Significance.